The following is an entry in ClinVar:

ClinVar aggregate classification (germline): Uncertain significance. Review status: criteria provided, multiple submitters, no conflicts (2 of 4 stars). 2 submissions from 2 submitters: Uncertain significance (2). Last evaluated 2025-12-26.

Conditions:
Saldino-Mainzer syndrome (SRTD9). Also called: CONORENAL SYNDROME; Renal dysplasia, retinal pigmentary dystrophy, cerebellar ataxia and skeletal dysplasia; short-rib thoracic dysplasia 9 with or without polydactyly; SHORT-RIB THORACIC DYSPLASIA 9 WITHOUT POLYDACTYLY. Identifiers: Orphanet 140969, MedGen C1849437, MONDO:0009964, OMIM 266920.

Allele frequency attached by ClinVar (database versions not stated): gnomAD 0.00003; ExAC 0.00005; gnomAD exomes 0.00006; TOPMed 0.00011.
gnomAD v4.1: 64 of 1,584,638 alleles (0.004%); highest among the groups gnomAD compares: Middle Eastern, 0.05%; 1 homozygote.

Submissions (2):

Labcorp Genetics (formerly Invitae), Labcorp
Classification: Uncertain significance for Saldino-Mainzer syndrome. Last evaluated: 2025-12-26. Review status: criteria provided, single submitter. Criteria: Invitae Variant Classification Sherloc (09022015). Collection method: clinical testing. Allele origin: germline.
Comment: This sequence change replaces alanine, which is neutral and non-polar, with threonine, which is neutral and polar, at codon 862 of the IFT140 protein (p.Ala862Thr). This variant is present in population databases (rs751629348, gnomAD 0.02%). This variant has not been reported in the literature in individuals affected with IFT140-related conditions. ClinVar contains an entry for this variant (Variation ID: 1002318). Invitae Evidence Modeling of protein sequence and biophysical properties (such as structural, functional, and spatial information, amino acid conservation, physicochemical variation, residue mobility, and thermodynamic stability) has been performed for this missense variant. However, the output from this modeling did not meet the statistical confidence thresholds required to predict the impact of this variant on IFT140 protein function. In summary, the available evidence is currently insufficient to determine the role of this variant in disease. Therefore, it has been classified as a Variant of Uncertain Significance.

Blueprint Genetics
Classification: Uncertain significance. Last evaluated: 2024-10-07. Review status: criteria provided, single submitter. Criteria: ACMG Guidelines, 2015. Collection method: clinical testing. Allele origin: germline.

NM_014714.4(IFT140):c.2584G>A (p.Ala862Thr)

Gene: IFT140 (intraflagellar transport 140; minus strand). Cytogenetic location: 16p13.3.
Variant type: single nucleotide variant.
Coding change: c.2584G>A on transcript NM_014714.4 (MANE Select); coding-DNA position 2584, G replaced by A.
Protein change: p.Ala862Thr; replaces alanine 862 with threonine.
Molecular consequence: missense variant.
Genome position (GRCh38, 1-based): chr16:1,526,071, C>T on the plus strand (G>A on the coding strand, the complement: IFT140 is on the minus strand). VCF-style: chr16-1526071-C-T. GRCh37 (hg19) VCF-style: chr16-1576072-C-T.
Other names: short protein forms A862T.
Identifiers: ClinVar variation 1002318 (VCV001002318.7), dbSNP rs751629348, ClinGen allele CA7813562.